The following is an entry in ClinVar:

NM_001287.6(CLCN7):c.275T>G (p.Leu92Arg)

Gene: CLCN7 (Cl-/H+ antiporter 7; minus strand). Cytogenetic location: 16p13.3.
Variant type: single nucleotide variant.
Coding change: c.275T>G on transcript NM_001287.6 (MANE Select); coding-DNA position 275, T replaced by G.
Protein change: p.Leu92Arg; replaces leucine 92 with arginine.
Molecular consequence: missense variant.
Genome position (GRCh38, 1-based): chr16:1,461,613, A>C on the plus strand (T>G on the coding strand, the complement: CLCN7 is on the minus strand). VCF-style: chr16-1461613-A-C. GRCh37 (hg19) VCF-style: chr16-1511614-A-C.
Other names: c.203T>G, p.Leu68Arg (NM_001114331.3); short protein forms L68R, L92R.
Identifiers: ClinVar variation 1365727 (VCV001365727.8), dbSNP rs2142390246, ClinGen allele CA394193141.
Genomic context (GRCh38, chr16:1,461,613, plus strand): 5'-CAGGGGGCAGAGGCCGGGTCTCAGGGTCAGGGGGACAGAAGGACGCCCACCTCATACTTG[A>C]GGGACAGGAGCTTCTCGTTGTGTGGGATCTCCTTGGGGAAGGGATGTGGAGGGTCCATAT-3'
Protein context (NP_001278.1, residues 82-102): EIPHNEKLLS[Leu92Arg]KYESLDYDNS

ClinVar aggregate classification (germline): Uncertain significance (1 of 4 stars; one submission).

Allele frequency attached by ClinVar (database versions not stated): gnomAD exomes below 0.00001.
gnomAD v4.1: 1 of 1,614,002 alleles (0.000062%); highest among the groups gnomAD compares: Non-Finnish European, 0.000085%; no homozygotes.

Submission:

Labcorp Genetics (formerly Invitae), Labcorp
Classification: Uncertain significance. Last evaluated: 2025-04-28. Review status: criteria provided, single submitter. Criteria: Invitae Variant Classification Sherloc (09022015). Collection method: clinical testing. Allele origin: germline.
Comment: This sequence change replaces leucine, which is neutral and non-polar, with arginine, which is basic and polar, at codon 92 of the CLCN7 protein (p.Leu92Arg). This variant is not present in population databases (gnomAD no frequency). This variant has not been reported in the literature in individuals affected with CLCN7-related conditions. ClinVar contains an entry for this variant (Variation ID: 1365727). Invitae Evidence Modeling of protein sequence and biophysical properties (such as structural, functional, and spatial information, amino acid conservation, physicochemical variation, residue mobility, and thermodynamic stability) indicates that this missense variant is not expected to disrupt CLCN7 protein function with a negative predictive value of 95%. In summary, the available evidence is currently insufficient to determine the role of this variant in disease. Therefore, it has been classified as a Variant of Uncertain Significance.